The following is an entry in ClinVar:

NM_032638.5(GATA2):c.71C>T (p.Ser24Leu)

Gene: GATA2 (GATA binding protein 2; minus strand). Cytogenetic location: 3q21.3.
Variant type: single nucleotide variant.
Coding change: c.71C>T on transcript NM_032638.5 (MANE Select); coding-DNA position 71, C replaced by T.
Protein change: p.Ser24Leu; replaces serine 24 with leucine.
Molecular consequence: missense variant.
Genome position (GRCh38, 1-based): chr3:128,486,961, G>A on the plus strand (C>T on the coding strand, the complement: GATA2 is on the minus strand). VCF-style: chr3-128486961-G-A. GRCh37 (hg19) VCF-style: chr3-128205804-G-A.
Other names: c.71C>T, p.Ser24Leu (NM_001145661.2, NM_001145662.1); short protein forms S24L.
Identifiers: ClinVar variation 859476 (VCV000859476.10), dbSNP rs2068710194, ClinGen allele CA354409047.

ClinVar aggregate classification (germline): Uncertain significance. Review status: criteria provided, multiple submitters, no conflicts (2 of 4 stars). 2 submissions from 2 submitters: Uncertain significance (2). Last evaluated 2024-12-20.

Conditions:
Inborn genetic diseases. Identifiers: MedGen C0950123, MeSH D030342.
Monocytopenia with susceptibility to infections. Also called: MONOCYTOPENIA AND MYCOBACTERIAL INFECTION SYNDROME; MONOCYTOPENIA WITH SUSCEPTIBILITY TO MYCOBACTERIAL, FUNGAL, AND PAPILLOMAVIRUS INFECTIONS AND MYELODYSPLASIA; COMBINED IMMUNODEFICIENCY WITH SUSCEPTIBILITY TO MYCOBACTERIAL, VIRAL, AND FUNGAL INFECTIONS; IMMUNODEFICIENCY 21; GATA2 DEFICIENCY; Dendritic cell, monocyte, B lymphocyte, and natural killer lymphocyte deficiency. Identifiers: Orphanet 228423, MedGen C3280030, MONDO:0013607, OMIM 614172.
Deafness-lymphedema-leukemia syndrome. Also called: Emberger syndrome; Lymphedema, primary, with myelodysplasia. Identifiers: Orphanet 3226, MedGen C3279664, MONDO:0013540, OMIM 614038.

Allele frequency attached by ClinVar (database versions not stated): gnomAD exomes below 0.00001.
gnomAD v4.1: 1 of 1,612,128 alleles (0.000062%); highest among the groups gnomAD compares: Non-Finnish European, 0.000085%; no homozygotes.

Submissions (2):

Ambry Genetics
Classification: Uncertain significance for Inborn genetic diseases. Last evaluated: 2024-12-20. Review status: criteria provided, single submitter. Criteria: Ambry Variant Classification Scheme 2023. Collection method: clinical testing. Allele origin: germline.
Comment: The p.S24L variant (also known as c.71C>T), located in coding exon 1 of the GATA2 gene, results from a C to T substitution at nucleotide position 71. The serine at codon 24 is replaced by leucine, an amino acid with dissimilar properties. This amino acid position is conserved. In addition, the in silico prediction for this alteration is inconclusive. Based on the available evidence, the clinical significance of this variant remains unclear.

Labcorp Genetics (formerly Invitae), Labcorp
Classification: Uncertain significance for Monocytopenia with susceptibility to infections; Deafness-lymphedema-leukemia syndrome. Last evaluated: 2021-06-21. Review status: criteria provided, single submitter. Criteria: Invitae Variant Classification Sherloc (09022015). Collection method: clinical testing. Allele origin: germline.
Comment: In summary, the available evidence is currently insufficient to determine the role of this variant in disease. Therefore, it has been classified as a Variant of Uncertain Significance. Algorithms developed to predict the effect of missense changes on protein structure and function (SIFT, PolyPhen-2, Align-GVGD) all suggest that this variant is likely to be tolerated, but these predictions have not been confirmed by published functional studies and their clinical significance is uncertain. This variant has not been reported in the literature in individuals with GATA2-related conditions. This variant is not present in population databases (ExAC no frequency). This sequence change replaces serine with leucine at codon 24 of the GATA2 protein (p.Ser24Leu). The serine residue is moderately conserved and there is a large physicochemical difference between serine and leucine.